The following is an entry in ClinVar:

ClinVar aggregate classification (germline): Uncertain significance (1 of 4 stars; one submission).

Conditions:
Aortic aneurysm, familial thoracic 4 (AAT4). Also called: AORTIC ANEURYSM/AORTIC DISSECTION AND PATENT DUCTUS ARTERIOSUS. Identifiers: MedGen C1851504, MONDO:0007568, OMIM 132900.

gnomAD v4.1: 5 of 1,608,652 alleles (0.00031%); highest among the groups gnomAD compares: East Asian, 0.0045%; no homozygotes.

Submission:

Clinical Genomics Laboratory, Washington University in St. Louis
Classification: Uncertain significance for Aortic aneurysm, familial thoracic 4. Last evaluated: 2024-10-17. Review status: criteria provided, single submitter. Criteria: ACMG Guidelines, 2015. Collection method: clinical testing. Allele origin: germline.
Comment: The MYH11 c.5265G>A (p.Met1755Ile) variant, to our knowledge, has not been reported in the medical literature, and is absent from the general population (gnomAD v.2.1.1), indicating that it is not a common variant. Computational predictors indicated that this variant has no impact on MYH11 function. Due to limited information and based on ACMG/AMP guidelines for variant interpretation (Richards S et al., PMID: 25741868), the clinical significance of this variant is uncertain at this time.

NM_002474.3(MYH11):c.5265G>A (p.Met1755Ile)

Genes: MYH11 (myosin heavy chain 11; minus strand), NDE1 (nudE neurodevelopment protein 1; plus strand). Cytogenetic location: 16p13.11.
Variant type: single nucleotide variant.
Coding change: c.5265G>A on transcript NM_002474.3 (MANE Select); coding-DNA position 5265, G replaced by A.
Protein change: p.Met1755Ile; replaces methionine 1755 with isoleucine.
Molecular consequence: missense variant. On other transcripts: intron variant (2).
Genome position (GRCh38, 1-based): chr16:15,718,345, C>T on the plus strand (G>A on the coding strand, the complement: MYH11 is on the minus strand). VCF-style: chr16-15718345-C-T. GRCh37 (hg19) VCF-style: chr16-15812202-C-T.
Other names: c.5286G>A, p.Met1762Ile (NM_001040113.2, NM_001040114.2); c.5265G>A, p.Met1755Ile (NM_022844.3); c.948-5846C>T (NM_001143979.2, NM_017668.3); short protein forms M1755I, M1762I.
Identifiers: ClinVar variation 3600478 (VCV003600478.1).